The following is an entry in ClinVar:

NM_001127392.3(MYRF):c.939C>T (p.Ser313=)

Gene: MYRF (myelin regulatory factor; plus strand). Cytogenetic location: 11q12.2.
Variant type: single nucleotide variant.
Coding change: c.939C>T on transcript NM_001127392.3 (MANE Select); coding-DNA position 939, C replaced by T.
Protein change: p.Ser313=; no amino-acid change (serine 313 retained).
Molecular consequence: synonymous variant.
Genome position (GRCh38, 1-based): chr11:61,771,698, C>T. VCF-style: chr11-61771698-C-T. GRCh37 (hg19) VCF-style: chr11-61539170-C-T.
Other names: c.912C>T, p.Ser304= (NM_013279.4).
Identifiers: ClinVar variation 3038645 (VCV003038645.3), dbSNP rs145789490, ClinGen allele CA6037703.

ClinVar aggregate classification (germline): Likely benign. Review status: criteria provided, single submitter (1 of 4 stars). 2 submissions from 2 submitters: Likely benign (1). 1 of the submissions does not count toward it. Last evaluated 2024-09-25.

Conditions:
MYRF-related disorder. Also called: MYRF-related disorders; MYRF-related condition.

Allele frequency attached by ClinVar (database versions not stated): TOPMed 0.00037; 1000 Genomes Project 0.00040; 1000 Genomes Project 30x 0.00047; ESP Exome Variant Server 0.00062; gnomAD exomes 0.00100; ExAC 0.00111; gnomAD 0.00134.
gnomAD v4.1: 1,659 of 1,613,764 alleles (0.1%); highest among the groups gnomAD compares: Non-Finnish European, 0.077%; 4 homozygotes.

Submissions (2):

Blueprint Genetics
Classification: Likely benign. Last evaluated: 2024-09-25. Review status: criteria provided, single submitter. Criteria: ACMG Guidelines, 2015. Collection method: clinical testing. Allele origin: germline.

PreventionGenetics, part of Exact Sciences
Classification: Likely benign for MYRF-related condition. Last evaluated: 2019-02-28. Review status: no assertion criteria provided. Collection method: clinical testing. Allele origin: germline. Not counted in ClinVar's aggregate classification.
Comment: This variant is classified as likely benign based on ACMG/AMP sequence variant interpretation guidelines (Richards et al. 2015 PMID: 25741868, with internal and published modifications).